The following is an entry in ClinVar:

ClinVar aggregate classification (germline): Pathogenic. Review status: reviewed by expert panel (3 of 4 stars). 9 submissions from 9 submitters: Pathogenic (1). 8 of the submissions do not count toward it. Last evaluated 2017-03-17.

Conditions:
Bronchiectasis with or without elevated sweat chloride 1 (BESC1). Also called: Cystic Fibrosis-Like Syndrome. Identifiers: Orphanet 60033, MedGen C2749757, MONDO:0008887, OMIM 211400.
CFTR-related disorder (CFTR-RD). Also called: CFTR-related condition; CFTR-related disorders. Identifiers: MedGen C5924204, MONDO:7770004.
Cystic fibrosis diagnostic test.
Cystic fibrosis (CF). Also called: MUCOVISCIDOSIS. Identifiers: Orphanet 586, MedGen C0010674, MONDO:0009061, OMIM 219700. Disease mechanism: loss of function.

Submissions (9):

CFTR2
Classification: Pathogenic for Cystic fibrosis. Last evaluated: 2017-03-17. Review status: reviewed by expert panel. Criteria: Sosnay PR et al. (Nat Genet 2013). Collection method: research. Allele origin: germline. Affected: yes. Study: CFTR2.

NHS Central & South Genomic Laboratory Hub
Classification: Pathogenic for Cystic fibrosis diagnostic test. Last evaluated: 2026-08-06. Review status: criteria provided, single submitter. Criteria: ACMG Guidelines, 2015. Collection method: clinical testing. Allele origin: germline. Affected: yes. Not counted in ClinVar's aggregate classification.

Labcorp Genetics (formerly Invitae), Labcorp
Classification: Pathogenic for Cystic fibrosis. Last evaluated: 2025-10-26. Review status: criteria provided, single submitter. Criteria: Invitae Variant Classification Sherloc (09022015). Collection method: clinical testing. Allele origin: germline. Not counted in ClinVar's aggregate classification.
Comment: This sequence change creates a premature translational stop signal (p.Gln378Alafs*4) in the CFTR gene. It is expected to result in an absent or disrupted protein product. Loss-of-function variants in CFTR are known to be pathogenic (PMID: 1695717, 7691345, 9725922). This variant is not present in population databases (gnomAD no frequency). This premature translational stop signal has been observed in individual(s) with cystic fibrosis (PMID: 9401006, 23974870, 26911355). In at least one individual the data is consistent with being in trans (on the opposite chromosome) from a pathogenic variant. This variant is also known as 1259insA and c.1127_1128insA. ClinVar contains an entry for this variant (Variation ID: 487392). For these reasons, this variant has been classified as Pathogenic.

Natera, Inc.
Classification: Pathogenic for CFTR-related disorders. Last evaluated: 2024-08-23. Review status: criteria provided, single submitter. Criteria: Natera Variant Classification Schema (03/2026). Collection method: clinical testing. Allele origin: germline. Not counted in ClinVar's aggregate classification.
Comment: The c.1130dupA variant in CFTR is a frameshift variant predicted to shift the reading frame beginning at codon 378 and leads to a stop codon 4 codons downstream. This variant is expected to result in nonsense mediated decay, truncation, or a dysfunctional protein product. This variant is rare in the general population with a frequency below the threshold expected for the associated phenotype(s). This variant has been observed in one or more individuals affected with the associated recessive disease, as either homozygous or compound heterozygous with a second variant (PMID: 16189704). Given the available evidence, this variant is classified as Pathogenic.

Baylor Genetics
Classification: Pathogenic for Bronchiectasis with or without elevated sweat chloride 1. Last evaluated: 2024-03-20. Review status: criteria provided, single submitter. Criteria: ACMG Guidelines, 2015. Collection method: clinical testing. Allele origin: unknown. Not counted in ClinVar's aggregate classification.

Laboratory of Medical Genetics, National & Kapodistrian University of Athens
Classification: Pathogenic for Cystic fibrosis. Last evaluated: 2024-02-01. Review status: criteria provided, single submitter. Criteria: ACMG Guidelines, 2015. Collection method: curation. Allele origin: germline. Affected: no. Not counted in ClinVar's aggregate classification.

Women's Health and Genetics/Laboratory Corporation of America, LabCorp
Classification: Pathogenic for Cystic fibrosis. Last evaluated: 2022-01-14. Review status: criteria provided, single submitter. Criteria: LabCorp Variant Classification Summary - May 2015. Collection method: clinical testing. Allele origin: germline. Not counted in ClinVar's aggregate classification.
Comment: Variant summary: CFTR c.1130dupA (p.Gln378AlafsX4) results in a premature termination codon, predicted to cause a truncation of the encoded protein or absence of the protein due to nonsense mediated decay, which are commonly known mechanisms for disease. Truncations downstream of this position have been classified as pathogenic by our laboratory. The variant was absent in 250100 control chromosomes (gnomAD). c.1130dupA (aka. 1259insA or c.1127_1128insA) has been reported in the literature in multiple individuals affected with Cystic Fibrosis (e.g. Shrimpton_1997, McGinniss_2005, Sosnay_2013). These data indicate that the variant is very likely to be associated with disease. To our knowledge, no experimental evidence demonstrating an impact on protein function has been reported. Three submitters have provided clinical-significance assessments for this variant in ClinVar after 2014, and classified the variant as pathogenic. Based on the evidence outlined above, the variant was classified as pathogenic.

Ambry Genetics
Classification: Pathogenic for Cystic fibrosis. Last evaluated: 2020-10-08. Review status: criteria provided, single submitter. Criteria: Ambry Variant Classification Scheme 2023. Collection method: clinical testing. Allele origin: germline. Not counted in ClinVar's aggregate classification.
Comment: The c.1130dupA (also known as c.1127_1128insA and legacy c.1259insA) pathogenic mutation, located in coding exon 9 of the CFTR gene, results from a duplication of A at nucleotide position 1130, causing a translational frameshift with a predicted alternate stop codon (p.Q378Afs*4). This mutation was originally reported in an individual with pancreatic insufficient cystic fibrosis with a second CFTR mutation (c.1585-1G>A, legacy c.1717-1G>A) detected in trans (Shrimpton AE et al. Hum Mutat., 1997;10:436-42). In addition to the clinical data presented in the literature, this alteration is expected to result in loss of function by premature protein truncation or nonsense-mediated mRNA decay. As such, this alteration is interpreted as a disease-causing mutation.

CFTR-France
Classification: Pathogenic for cystic fibrosis. Last evaluated: 2015-07-21. Review status: criteria provided, single submitter. Criteria: Claustres M et al. (Hum Mutat 2017). Collection method: curation. Allele origin: germline. Affected: yes. Not counted in ClinVar's aggregate classification.

Literature cited by the submitters: PubMed 1695717 (cited by Labcorp Genetics (formerly Invitae), Labcorp); PubMed 7691345 (cited by Labcorp Genetics (formerly Invitae), Labcorp); PubMed 9725922 (cited by Labcorp Genetics (formerly Invitae), Labcorp); PubMed 9401006 (cited by 3 submitters); PubMed 23974870 (cited by 3 submitters); PubMed 26911355 (cited by Labcorp Genetics (formerly Invitae), Labcorp and Ambry Genetics); PubMed 16189704 (cited by Natera, Inc. and Women's Health and Genetics/Laboratory Corporation of America, LabCorp); PubMed 21429822 (cited by Ambry Genetics); PubMed 25826586 (cited by Ambry Genetics); PubMed 25910067 (cited by Ambry Genetics); PubMed 26014425 (cited by Ambry Genetics); PubMed 26437683 (cited by Ambry Genetics); PubMed 30146269 (cited by Ambry Genetics); PubMed 31331863 (cited by Ambry Genetics).

NM_000492.4(CFTR):c.1130dup (p.Gln378fs)

Gene: CFTR (CF transmembrane conductance regulator; plus strand). Cytogenetic location: 7q31.2.
Variant type: Duplication.
Coding change: c.1130dup on transcript NM_000492.4 (MANE Select); coding-DNA position 1130, one base duplicated (A; older notation c.1130dupA).
Protein change: p.Gln378fs; shifts the reading frame from glutamine 378.
Molecular consequence: frameshift variant.
Genome position (GRCh38, 1-based): chr7:117,542,029, A duplicated; the last of 4 consecutive A bases (chr7:117,542,026-117,542,029); duplicating any one gives the same sequence. VCF-style (leftmost placement, unchanged base first): chr7-117542025-C-CA. GRCh37 (hg19) VCF-style: chr7-117182079-C-CA.
Other names: 1259insA; c.1130dupA (NM_000492.3); short protein forms Q378fs.
Identifiers: ClinVar variation 487392 (VCV000487392.21), dbSNP rs397508163, ClinGen allele CA328080.